The following is an entry in ClinVar:

ClinVar aggregate classification (germline): Uncertain significance (0 of 4 stars; one submission).

Conditions:
TTC12-related disorder. Also called: TTC12-related condition.

gnomAD v4.1: 75 of 1,613,552 alleles (0.0046%); highest among the groups gnomAD compares: East Asian, 0.027%; no homozygotes.

Submission:

PreventionGenetics, part of Exact Sciences
Classification: Uncertain significance for TTC12-related condition. Last evaluated: 2024-08-21. Review status: no assertion criteria provided. Collection method: clinical testing. Allele origin: germline.
Comment: The TTC12 c.1184C>T variant is predicted to result in the amino acid substitution p.Ala395Val. Of note, using the canonical transcript (NM_017868) this variant is reported as c.1166C>T (p.Ala389Val). To our knowledge, this variant has not been reported in the literature. This variant is reported in 0.035% of alleles in individuals of East Asian descent in gnomAD. At this time, the clinical significance of this variant is uncertain due to the absence of conclusive functional and genetic evidence.

NM_017868.4(TTC12):c.1166C>T (p.Ala389Val)

Gene: TTC12 (tetratricopeptide repeat domain 12; plus strand). Cytogenetic location: 11q23.2.
Variant type: single nucleotide variant.
Coding change: c.1166C>T on transcript NM_017868.4 (MANE Select); coding-DNA position 1166, C replaced by T.
Protein change: p.Ala389Val; replaces alanine 389 with valine.
Molecular consequence: missense variant. On other transcripts: non-coding transcript variant (3).
Genome position (GRCh38, 1-based): chr11:113,350,084, C>T. VCF-style: chr11-113350084-C-T. GRCh37 (hg19) VCF-style: chr11-113220806-C-T.
Other names: c.1184C>T, p.Ala395Val (NM_001318533.2); c.1091C>T, p.Ala364Val (NM_001352037.2); c.1169C>T, p.Ala390Val (NM_001378063.1); c.1166C>T, p.Ala389Val (NM_001378064.1, NM_001378065.1); short protein forms A364V, A389V, A390V, A395V.
Identifiers: ClinVar variation 3357834 (VCV003357834.1).
Genomic context (GRCh38, chr11:113,350,084, plus strand): 5'-TTGTTAGTTGGAGGACAGCTACCTCTGAGGTTATTATGGTTTTTTGCAGATTATTGGAAG[C>T]GCTGGTGTCATTTCTTGATTTCTCGGATAAGGAGGCCAACACTGCTATGGGACTGTTCAC-3'
Protein context (NP_060338.3, residues 379-399): NHLDLTRLLE[Ala389Val]LVSFLDFSDK